The following is an entry in ClinVar:

NM_020975.6(RET):c.853T>G (p.Phe285Val)

Gene: RET (ret proto-oncogene; plus strand). Cytogenetic location: 10q11.21.
Variant type: single nucleotide variant.
Coding change: c.853T>G on transcript NM_020975.6 (MANE Select); coding-DNA position 853, T replaced by G.
Protein change: p.Phe285Val; replaces phenylalanine 285 with valine.
Molecular consequence: missense variant. On other transcripts: intron variant (22).
Genome position (GRCh38, 1-based): chr10:43,105,179, T>G. VCF-style: chr10-43105179-T-G. GRCh37 (hg19) VCF-style: chr10-43600627-T-G.
Other names: c.853T>G, p.Phe285Val (NM_000323.2, NM_001406743.1, NM_001406744.1 and 8 more transcripts); c.91T>G, p.Phe31Val (NM_001355216.2); c.724T>G, p.Phe242Val (NM_001406761.1, NM_001406762.1, NM_001406764.1 and 2 more transcripts); c.565T>G, p.Phe189Val (NM_001406766.1, NM_001406767.1, NM_001406770.1); c.625+2550T>G (NM_001406773.1, NM_001406771.1, NM_001406782.1 and 5 more transcripts); c.496+2550T>G (NM_001406786.1, NM_001406783.1); c.338-3852T>G (NM_001406778.1, NM_001406775.1, NM_001406776.1 and 1 more transcripts); c.337+4457T>G (NM_001406790.1, NM_001406788.1, NM_001406789.1 and 1 more transcripts); and 2 more; short protein forms F242V, F31V, F189V, F285V.
Identifiers: ClinVar variation 2568373 (VCV002568373.2), dbSNP rs1554817836, ClinGen allele CA376545379.
Genomic context (GRCh38, chr10:43,105,179, plus strand): 5'-GAGGACGACTCGGCGCCCACCTTCCCCGCGGGCGTCGACACCGCCAGCGCCGTGGTGGAG[T>G]TCAAGCGGAAGGAGGTGCTTGTCCGCGCGTGCTGTGGTCTACCCAGTGTCTGTCTCCGGC-3'
Protein context (NP_066124.1, residues 275-295): GVDTASAVVE[Phe285Val]KRKEDTVVAT

ClinVar aggregate classification (germline): Uncertain significance (1 of 4 stars; one submission).

Conditions:
Hereditary cancer-predisposing syndrome. Also called: Hereditary neoplastic syndrome; Hereditary Cancer Syndrome; Neoplastic Syndromes, Hereditary; Tumor predisposition. Identifiers: Orphanet 140162, MedGen C0027672, MeSH D009386, MONDO:0015356.

Submission:

Ambry Genetics
Classification: Uncertain significance for Hereditary cancer-predisposing syndrome. Last evaluated: 2023-05-28. Review status: criteria provided, single submitter. Criteria: Ambry Variant Classification Scheme 2023. Collection method: clinical testing. Allele origin: germline.
Comment: The p.F285V variant (also known as c.853T>G), located in coding exon 4 of the RET gene, results from a T to G substitution at nucleotide position 853. The phenylalanine at codon 285 is replaced by valine, an amino acid with highly similar properties. This amino acid position is conserved. In addition, the in silico prediction for this alteration is inconclusive. Since supporting evidence is limited at this time, the clinical significance of this alteration remains unclear.